The following is an entry in ClinVar:

NM_002755.4(MAP2K1):c.825T>G (p.Phe275Leu)

Gene: MAP2K1 (mitogen-activated protein kinase kinase 1; plus strand). Cytogenetic location: 15q22.31.
Variant type: single nucleotide variant.
Coding change: c.825T>G on transcript NM_002755.4 (MANE Select); coding-DNA position 825, T replaced by G.
Protein change: p.Phe275Leu; replaces phenylalanine 275 with leucine.
Molecular consequence: missense variant.
Genome position (GRCh38, 1-based): chr15:66,485,121, T>G. VCF-style: chr15-66485121-T-G. GRCh37 (hg19) VCF-style: chr15-66777459-T-G.
Other names: c.681T>G, p.Phe227Leu (NM_001411065.1); short protein forms F275L, F227L.
Identifiers: ClinVar variation 4826677 (VCV004826677.1).

ClinVar aggregate classification (germline): Uncertain significance (1 of 4 stars; one submission).

Conditions:
Cardiovascular phenotype. Identifiers: MedGen CN230736.

gnomAD v4.1: 1 of 1,614,036 alleles (0.000062%); highest among the groups gnomAD compares: Non-Finnish European, 0.000085%; no homozygotes.

Submission:

Ambry Genetics
Classification: Uncertain significance for Cardiovascular phenotype. Last evaluated: 2026-03-12. Review status: criteria provided, single submitter. Criteria: Ambry Variant Classification Scheme 2023. Collection method: clinical testing. Allele origin: germline.
Comment: The p.F275L variant (also known as c.825T>G), located in coding exon 7 of the MAP2K1 gene, results from a T to G substitution at nucleotide position 825. The phenylalanine at codon 275 is replaced by leucine, an amino acid with highly similar properties. This amino acid position is conserved. In addition, this alteration is predicted to be deleterious by in silico analysis. Based on the available evidence, the clinical significance of this variant remains unclear.